The following is an entry in ClinVar:

ClinVar aggregate classification (germline): Uncertain significance (1 of 4 stars; one submission).

Conditions:
Hereditary pheochromocytoma and paraganglioma. Also called: Hereditary Paraganglioma-Pheochromocytoma Syndromes; Hereditary paragangliomas and pheochromocytomas; Hereditary pheochromocytoma-paraganglioma. Identifiers: Orphanet 29072, MedGen C4274332, MONDO:0017366.

Submission:

Color Diagnostics, LLC DBA Color Health
Classification: Uncertain significance for Hereditary pheochromocytoma and paraganglioma. Last evaluated: 2025-09-22. Review status: criteria provided, single submitter. Criteria: ACMG Guidelines, 2015. Collection method: clinical testing. Allele origin: germline.
Comment: This missense variant replaces serine with tyrosine at codon 163 of the SDHC protein. Computational prediction suggests that this variant may have deleterious impact on protein structure and function. To our knowledge, functional studies have not been reported for this variant. This variant has not been reported in individuals affected with SDHC-related disorders in the literature. This variant has not been identified in the general population by the Genome Aggregation Database (gnomAD). The available evidence is insufficient to determine the role of this variant in disease conclusively. Therefore, this variant is classified as a Variant of Uncertain Significance.

NM_003001.5(SDHC):c.488C>A (p.Ser163Tyr)

Gene: SDHC (succinate dehydrogenase complex subunit C; plus strand). Cytogenetic location: 1q23.3.
Variant type: single nucleotide variant.
Coding change: c.488C>A on transcript NM_003001.5 (MANE Select); coding-DNA position 488, C replaced by A.
Protein change: p.Ser163Tyr; replaces serine 163 with tyrosine.
Molecular consequence: missense variant. On other transcripts: non-coding transcript variant (1), synonymous variant (3).
Genome position (GRCh38, 1-based): chr1:161,362,411, C>A. VCF-style: chr1-161362411-C-A. GRCh37 (hg19) VCF-style: chr1-161332201-C-A.
Other names: c.222C>A, p.Leu74= (NM_001278172.3); c.608C>A, p.Ser203Tyr (NM_001407115.1); c.431C>A, p.Ser144Tyr (NM_001407116.1); c.425C>A, p.Ser142Tyr (NM_001407117.1); c.380C>A, p.Ser127Tyr (NM_001407118.1); c.377C>A, p.Ser126Tyr (NM_001407119.1, NM_001407120.1); c.267C>A, p.Leu89= (NM_001407121.1); c.324C>A, p.Leu108= (NM_001035511.3); and 2 more; short protein forms S110Y, S126Y, S127Y, S129Y, S142Y, S144Y, S163Y, S203Y.
Identifiers: ClinVar variation 4758359 (VCV004758359.1).
Genomic context (GRCh38, chr1:161,362,411, plus strand): 5'-TGAAGATTCCCCAGCTATACCAGTCTGGAGTGGTTGTCCTGGTTCTTACTGTGTTGTCCT[C>A]TATGGGGCTGGCAGCCATGTGAAGAAAGGAGGCTCCCAGCATCATCTTCCTACACATTAT-3'
Protein context (NP_002992.1, residues 153-169): VVVLVLTVLS[Ser163Tyr]MGLAAM